The following is an entry in ClinVar:

ClinVar aggregate classification (germline): Uncertain significance (1 of 4 stars; one submission).

gnomAD v4.1: 1 of 1,613,990 alleles (0.000062%); highest among the groups gnomAD compares: African/African-American, 0.0013%; no homozygotes.

Submission:

Labcorp Genetics (formerly Invitae), Labcorp
Classification: Uncertain significance. Last evaluated: 2024-10-25. Review status: criteria provided, single submitter. Criteria: Invitae Variant Classification Sherloc (09022015). Collection method: clinical testing. Allele origin: germline.
Comment: This sequence change replaces leucine, which is neutral and non-polar, with proline, which is neutral and non-polar, at codon 330 of the TAB2 protein (p.Leu330Pro). This variant is not present in population databases (gnomAD no frequency). This variant has not been reported in the literature in individuals affected with TAB2-related conditions. Invitae Evidence Modeling of protein sequence and biophysical properties (such as structural, functional, and spatial information, amino acid conservation, physicochemical variation, residue mobility, and thermodynamic stability) indicates that this missense variant is expected to disrupt TAB2 protein function with a positive predictive value of 80%. In summary, the available evidence is currently insufficient to determine the role of this variant in disease. Therefore, it has been classified as a Variant of Uncertain Significance.

NM_001292034.3(TAB2):c.989T>C (p.Leu330Pro)

Genes: TAB2 (TGF-beta activated kinase 1 (MAP3K7) binding protein 2; plus strand), LOC126859827 (BRD4-independent group 4 enhancer GRCh37_chr6:149699707-149700906; plus strand). Cytogenetic location: 6q25.1.
Variant type: single nucleotide variant.
Coding change: c.989T>C on transcript NM_001292034.3 (MANE Select); coding-DNA position 989, T replaced by C.
Protein change: p.Leu330Pro; replaces leucine 330 with proline.
Molecular consequence: missense variant.
Genome position (GRCh38, 1-based): chr6:149,378,904, T>C. VCF-style: chr6-149378904-T-C. GRCh37 (hg19) VCF-style: chr6-149700040-T-C.
Other names: c.893T>C, p.Leu298Pro (NM_001292035.3); c.989T>C, p.Leu330Pro (NM_001369506.1, NM_015093.6); short protein forms L298P, L330P.
Identifiers: ClinVar variation 3661032 (VCV003661032.2).
Genomic context (GRCh38, chr6:149,378,904, plus strand): 5'-GCCAATATAACATTCAGAATATTTCAACAGGACCTCGAAAAAACCAGATTGAAATCAAAC[T>C]TGAACCCCCACAAAGAAATAATTCTTCAAAACTGCGTTCTTCTGGACCTCGAACCTCCAG-3'
Protein context (NP_001278963.1, residues 320-340): GPRKNQIEIK[Leu330Pro]EPPQRNNSSK